The following is an entry in ClinVar:

NM_000051.4(ATM):c.8840C>A (p.Thr2947Asn)

Genes: C11orf65 (chromosome 11 open reading frame 65; minus strand), ATM (ATM serine/threonine kinase; plus strand). Cytogenetic location: 11q22.3.
Variant type: single nucleotide variant.
Coding change: c.8840C>A on transcript NM_000051.4 (MANE Select); coding-DNA position 8840, C replaced by A.
Protein change: p.Thr2947Asn; replaces threonine 2947 with asparagine.
Molecular consequence: missense variant. On other transcripts: intron variant (2).
Genome position (GRCh38, 1-based): chr11:108,354,864, C>A. VCF-style: chr11-108354864-C-A. GRCh37 (hg19) VCF-style: chr11-108225591-C-A.
Other names: c.8840C>A, p.Thr2947Asn (NM_001351834.2); c.640+31056G>T (NM_001330368.2); c.695-19572G>T (NM_001351110.2); short protein forms T2947N.
Identifiers: ClinVar variation 453750 (VCV000453750.20), dbSNP rs1555143579, ClinGen allele CA382526055.

ClinVar aggregate classification (germline): Uncertain significance. Review status: criteria provided, multiple submitters, no conflicts (2 of 4 stars). 4 submissions from 4 submitters: Uncertain significance (4). Last evaluated 2025-12-09.

Conditions:
Hereditary cancer-predisposing syndrome. Also called: Neoplastic Syndromes, Hereditary; Hereditary Cancer Syndrome; Tumor predisposition; Hereditary neoplastic syndrome. Identifiers: Orphanet 140162, MedGen C0027672, MeSH D009386, MONDO:0015356.
Ataxia-telangiectasia syndrome (AT). Also called: LOUIS-BAR SYNDROME; Cerebello-oculocutaneous telangiectasia; Immunodeficiency with ataxia telangiectasia; Ataxia-telangiectasia, complementation group D; AT, COMPLEMENTATION GROUP C; Ataxia-telangiectasia, complementation group E. Identifiers: Orphanet 100, MedGen C0004135, MONDO:0008840, OMIM 208900.

Submissions (4):

Labcorp Genetics (formerly Invitae), Labcorp
Classification: Uncertain significance for Ataxia-telangiectasia syndrome. Last evaluated: 2025-12-09. Review status: criteria provided, single submitter. Criteria: Invitae Variant Classification Sherloc (09022015). Collection method: clinical testing. Allele origin: germline.
Comment: This sequence change replaces threonine, which is neutral and polar, with asparagine, which is neutral and polar, at codon 2947 of the ATM protein (p.Thr2947Asn). This variant is not present in population databases (gnomAD no frequency). This variant has not been reported in the literature in individuals affected with ATM-related conditions. ClinVar contains an entry for this variant (Variation ID: 453750). Invitae Evidence Modeling of protein sequence and biophysical properties (such as structural, functional, and spatial information, amino acid conservation, physicochemical variation, residue mobility, and thermodynamic stability) indicates that this missense variant is expected to disrupt ATM protein function with a positive predictive value of 80%. In summary, the available evidence is currently insufficient to determine the role of this variant in disease. Therefore, it has been classified as a Variant of Uncertain Significance.

Ambry Genetics
Classification: Uncertain significance for Hereditary cancer-predisposing syndrome. Last evaluated: 2025-12-02. Review status: criteria provided, single submitter. Criteria: Ambry Variant Classification Scheme 2023. Collection method: clinical testing. Allele origin: germline.
Comment: The p.T2947N variant (also known as c.8840C>A), located in coding exon 60 of the ATM gene, results from a C to A substitution at nucleotide position 8840. The threonine at codon 2947 is replaced by asparagine, an amino acid with similar properties. This amino acid position is highly conserved in available vertebrate species. In addition, the in silico prediction for this alteration is inconclusive. Based on the available evidence, the clinical significance of this variant remains unclear.

GeneDx
Classification: Uncertain significance. Last evaluated: 2023-08-01. Review status: criteria provided, single submitter. Criteria: GeneDx Variant Classification Process June 2021. Collection method: clinical testing. Allele origin: germline. Affected: yes.
Comment: Not observed in large population cohorts (gnomAD); In silico analysis supports that this missense variant has a deleterious effect on protein structure/function; Has not been previously published as germline pathogenic or benign to our knowledge; This variant is associated with the following publications: (PMID: 26466571, 33856441, 37043650, 23532176)

Color Diagnostics, LLC DBA Color Health
Classification: Uncertain significance for Hereditary cancer-predisposing syndrome. Last evaluated: 2019-01-03. Review status: criteria provided, single submitter. Criteria: ACMG Guidelines, 2015. Collection method: clinical testing. Allele origin: germline.